The following is an entry in ClinVar:

NM_001852.4(COL9A2):c.407G>A (p.Arg136Gln)

Gene: COL9A2 (collagen type IX alpha 2 chain; minus strand). Cytogenetic location: 1p34.2.
Variant type: single nucleotide variant.
Coding change: c.407G>A on transcript NM_001852.4 (MANE Select); coding-DNA position 407, G replaced by A.
Protein change: p.Arg136Gln; replaces arginine 136 with glutamine.
Molecular consequence: missense variant.
Genome position (GRCh38, 1-based): chr1:40,312,069, C>T on the plus strand (G>A on the coding strand, the complement: COL9A2 is on the minus strand). VCF-style: chr1-40312069-C-T. GRCh37 (hg19) VCF-style: chr1-40777741-C-T.
Other names: short protein forms R136Q.
Identifiers: ClinVar variation 297308 (VCV000297308.15), dbSNP rs751212530, ClinGen allele CA791956.
Genomic context (GRCh38, chr1:40,312,069, plus strand): 5'-CTTGGAGATAGAAGGCAGGAGGCAGTGAACAGAGGGTGGCTGAGGCTCACCTTGGGGCCT[C>T]GGATTCCAATCTCACCAGGGAGGCCAACAGGTCCAGGAGGCCCCTGGGGAGCAGAGAGTT-3'
Protein context (NP_001843.1, residues 126-146): PVGLPGEIGI[Arg136Gln]GPKGDPGPDG

ClinVar aggregate classification (germline): Uncertain significance. Review status: criteria provided, multiple submitters, no conflicts (2 of 4 stars). 5 submissions from 5 submitters: Uncertain significance (5). Last evaluated 2025-10-12.

Conditions:
Inborn genetic diseases. Identifiers: MedGen C0950123, MeSH D030342.
Epiphyseal dysplasia, multiple, 2 (EDM2). Also called: COL9A2-Related Multiple Epiphyseal Dysplasia. Identifiers: MedGen C1838429, MONDO:0010844, OMIM 600204.

Allele frequency attached by ClinVar (database versions not stated): ExAC 0.00004; gnomAD 0.00005; gnomAD exomes 0.00001 and 0.00002; TOPMed 0.00002.
gnomAD v4.1: 28 of 1,600,918 alleles (0.0017%); highest among the groups gnomAD compares: Non-Finnish European, 0.0022%; no homozygotes.

Submissions (5):

Labcorp Genetics (formerly Invitae), Labcorp
Classification: Uncertain significance. Last evaluated: 2025-10-12. Review status: criteria provided, single submitter. Criteria: Invitae Variant Classification Sherloc (09022015). Collection method: clinical testing. Allele origin: germline.
Comment: This sequence change replaces arginine, which is basic and polar, with glutamine, which is neutral and polar, at codon 136 of the COL9A2 protein (p.Arg136Gln). The frequency data for this variant in the population databases is considered unreliable, as metrics indicate poor data quality at this position in the gnomAD database. This variant has not been reported in the literature in individuals affected with COL9A2-related conditions. ClinVar contains an entry for this variant (Variation ID: 297308). Experimental studies and prediction algorithms are not available or were not evaluated, and the functional significance of this variant is currently unknown. In summary, the available evidence is currently insufficient to determine the role of this variant in disease. Therefore, it has been classified as a Variant of Uncertain Significance.

Blueprint Genetics
Classification: Uncertain significance. Last evaluated: 2024-04-10. Review status: criteria provided, single submitter. Criteria: ACMG Guidelines, 2015. Collection method: clinical testing. Allele origin: germline.

Ambry Genetics
Classification: Uncertain significance for Inborn genetic diseases. Last evaluated: 2023-03-02. Review status: criteria provided, single submitter. Criteria: Ambry Variant Classification Scheme 2023. Collection method: clinical testing. Allele origin: germline.

GeneDx
Classification: Uncertain significance. Last evaluated: 2020-12-28. Review status: criteria provided, single submitter. Criteria: GeneDx Variant Classification Process June 2021. Collection method: clinical testing. Allele origin: germline. Affected: yes.
Comment: Has not been previously published as pathogenic or benign to our knowledge; Not observed at a significant frequency in large population cohorts (Lek et al., 2016); In silico analysis supports that this missense variant does not alter protein structure/function

Illumina Laboratory Services, Illumina
Classification: Uncertain significance for Epiphyseal dysplasia, multiple, 2. Last evaluated: 2018-01-13. Review status: criteria provided, single submitter. Criteria: ICSL Variant Classification Criteria 13 December 2019. Collection method: clinical testing. Allele origin: germline.